The following is an entry in ClinVar:

ClinVar aggregate classification (germline): Uncertain significance (1 of 4 stars; one submission).

Submission:

GeneDx
Classification: Uncertain significance. Last evaluated: 2023-03-02. Review status: criteria provided, single submitter. Criteria: GeneDx Variant Classification Process June 2021. Collection method: clinical testing. Allele origin: germline. Affected: yes.
Comment: Frameshift variant predicted to result in protein truncation or nonsense mediated decay in a gene or region of a gene for which loss of function is not a well-established mechanism of disease; Not observed at significant frequency in large population cohorts (gnomAD); Has not been previously published as pathogenic or benign to our knowledge

NM_174873.2(P2RX2):c.314del

Gene: P2RX2 (purinergic receptor P2X 2; plus strand). Cytogenetic location: 12q24.33.
Variant type: Deletion.
Coding change: c.314del on transcript NM_174873.2; coding-DNA position 314, one base deleted (G; older notation c.314delG).
Molecular consequence: intron variant (on NM_016318.4).
Genome position (GRCh38, 1-based): chr12:132,619,683, G deleted; the last of 6 consecutive G bases (chr12:132,619,678-132,619,683); deleting any one gives the same sequence. VCF-style (leftmost placement, unchanged base first): chr12-132619677-AG-A. GRCh37 (hg19) VCF-style: chr12-133196263-AG-A.
Other names: c.309+109del (NM_016318.4, NM_001282164.2); c.241+109del (NM_012226.5); c.106-161del (NM_174872.3).
Identifiers: ClinVar variation 2578064 (VCV002578064.1), dbSNP rs763300549, ClinGen allele CA608513677.